The following is an entry in ClinVar:

ClinVar aggregate classification (germline): Uncertain significance (1 of 4 stars; one submission).

Submission:

GeneDx
Classification: Uncertain significance. Last evaluated: 2025-02-07. Review status: criteria provided, single submitter. Criteria: GeneDx Variant Classification Process June 2021. Collection method: clinical testing. Allele origin: germline. Affected: yes.
Comment: Not observed at significant frequency in large population cohorts (gnomAD); In silico analysis supports that this missense variant has a deleterious effect on protein structure/function; Has not been previously published as pathogenic or benign to our knowledge

NM_001170629.2(CHD8):c.506C>T (p.Ser169Leu)

Gene: CHD8 (chromodomain helicase DNA binding protein 8; minus strand). Cytogenetic location: 14q11.2.
Variant type: single nucleotide variant.
Coding change: c.506C>T on transcript NM_001170629.2 (MANE Select); coding-DNA position 506, C replaced by T.
Protein change: p.Ser169Leu; replaces serine 169 with leucine.
Molecular consequence: missense variant. On other transcripts: intron variant (1).
Genome position (GRCh38, 1-based): chr14:21,431,138, G>A on the plus strand (C>T on the coding strand, the complement: CHD8 is on the minus strand). VCF-style: chr14-21431138-G-A. GRCh37 (hg19) VCF-style: chr14-21899297-G-A.
Other names: c.6+673C>T (NM_020920.4); short protein forms S169L.
Identifiers: ClinVar variation 1310515 (VCV001310515.3), dbSNP rs2139539729, ClinGen allele CA388888215.
Genomic context (GRCh38, chr14:21,431,138, plus strand): 5'-GGCTGAGCTGTGCTGGTGATACCTTGGGCCTGAATTTGTGCCACATGGGCACCAGTGACT[G>A]AGGAGCTTGGTGGGGCCTTAAGGATAACAATCTTAGGGGCTGACTGAGGTGGCTGCCCTC-3'
Protein context (NP_001164100.1, residues 159-179): IVILKAPPSS[Ser169Leu]VTGAHVAQIQ